The following is an entry in ClinVar:

NM_004990.4(MARS1):c.415-13A>G

Gene: MARS1 (methionyl-tRNA synthetase 1; plus strand). Cytogenetic location: 12q13.3.
Variant type: single nucleotide variant.
Coding change: c.415-13A>G on transcript NM_004990.4 (MANE Select); 13 bases into the intron before coding-DNA position 415, A replaced by G.
Molecular consequence: intron variant.
Genome position (GRCh38, 1-based): chr12:57,489,883, A>G. VCF-style: chr12-57489883-A-G. GRCh37 (hg19) VCF-style: chr12-57883666-A-G.
Identifiers: ClinVar variation 1896869 (VCV001896869.6), dbSNP rs779181351, ClinGen allele CA6650169.

ClinVar aggregate classification (germline): Likely benign. Review status: criteria provided, multiple submitters, no conflicts (2 of 4 stars). 2 submissions from 2 submitters: Likely benign (2). Last evaluated 2024-09-23.

Conditions:
Severe early-onset pulmonary alveolar proteinosis due to MARS deficiency. Also called: PULMONARY ALVEOLAR PROTEINOSIS, REUNION ISLAND; Interstitial lung and liver disease. Identifiers: Orphanet 440427, MedGen C4225400, MONDO:0014206, OMIM 615486.
Charcot-Marie-Tooth disease axonal type 2U. Also called: CHARCOT-MARIE-TOOTH NEUROPATHY, TYPE 2U; CHARCOT-MARIE-TOOTH DISEASE, AXONAL, AUTOSOMAL DOMINANT, TYPE 2U. Identifiers: Orphanet 397735, MedGen C4084821, MONDO:0014566, OMIM 616280.

Allele frequency attached by ClinVar (database versions not stated): TOPMed below 0.00001; ExAC 0.00002.
gnomAD v4.1: 4 of 1,612,096 alleles (0.00025%); highest among the groups gnomAD compares: Non-Finnish European, 0.00034%; no homozygotes.

Submissions (2):

Labcorp Genetics (formerly Invitae), Labcorp
Classification: Likely benign for Charcot-Marie-Tooth disease axonal type 2U; Severe early-onset pulmonary alveolar proteinosis due to MARS deficiency. Last evaluated: 2024-09-23. Review status: criteria provided, single submitter. Criteria: Invitae Variant Classification Sherloc (09022015). Collection method: clinical testing. Allele origin: germline.

Women's Health and Genetics/Laboratory Corporation of America, LabCorp
Classification: Likely benign. Last evaluated: 2023-12-15. Review status: criteria provided, single submitter. Criteria: LabCorp Variant Classification Summary - May 2015. Collection method: clinical testing. Allele origin: germline.
Comment: Variant summary: MARS1 c.415-13A>G alters a non-conserved nucleotide located at a position not widely known to affect splicing. Consensus agreement among computation tools predict no significant impact on normal splicing. However, these predictions have yet to be confirmed by functional studies. The variant was absent in 251466 control chromosomes. The available data on variant occurrences in the general population are insufficient to allow any conclusion about variant significance. To our knowledge, no occurrence of c.415-13A>G in individuals affected with MARS1-Related Disorders and no experimental evidence demonstrating its impact on protein function have been reported. One submitter has cited clinical-significance assessments for this variant to ClinVar after 2014 and has classified the variant as likely benign. Based on the evidence outlined above, the variant was classified as likely benign.